The following is an entry in ClinVar:

ClinVar aggregate classification (germline): Pathogenic (1 of 4 stars; one submission).

Conditions:
Atypical hemolytic-uremic syndrome. Identifiers: Orphanet 2134, MedGen C2931788, MONDO:0016244.

Submission:

Genomenon, Inc
Classification: Pathogenic for Atypical hemolytic-uremic syndrome. Last evaluated: 2025-09-26. Review status: criteria provided, single submitter. Criteria: Genomenon Sequence Variant Interpretation Standards - Updated. Collection method: curation. Allele origin: germline. Affected: yes.
Comment: DGKE p.Ser58AlafsTer111 (c.171del) is a frameshift variant that results in the production of a truncated protein which is predicted to undergo nonsense-mediated mRNA decay. This variant has been observed in at least one proband affected with atypical hemolytic-uremic syndrome (PMID:32424742). The variant was found to segregate with disease in at least one affected family (PMID:32424742). It is absent or not present at a significant frequency in gnomAD. In conclusion, we classify DGKE p.Ser58AlafsTer111 (c.171del) as a pathogenic variant.

Literature cited by the submitters: PubMed 32424742.

NM_003647.3(DGKE):c.171del (p.Ser58fs)

Gene: DGKE (diacylglycerol kinase epsilon; plus strand). Cytogenetic location: 17q22.
Variant type: Deletion.
Coding change: c.171del on transcript NM_003647.3 (MANE Select); coding-DNA position 171, one base deleted (G; older notation c.171delG).
Protein change: p.Ser58fs; shifts the reading frame from serine 58.
Molecular consequence: frameshift variant.
Genome position (GRCh38, 1-based): chr17:56,834,966, G deleted. VCF-style (leftmost placement, unchanged base first): chr17-56834965-AG-A. GRCh37 (hg19) VCF-style: chr17-54912326-AG-A.
Other names: short protein forms S58fs.
Identifiers: ClinVar variation 4280346 (VCV004280346.1).